The following is an entry in ClinVar:

ClinVar aggregate classification (germline): Uncertain significance. Review status: criteria provided, multiple submitters, no conflicts (2 of 4 stars). 3 submissions from 3 submitters: Uncertain significance (3). Last evaluated 2024-07-23.

Conditions:
Atypical hemolytic-uremic syndrome with B factor anomaly. Also called: HEMOLYTIC UREMIC SYNDROME, ATYPICAL, SUSCEPTIBILITY TO, 4; AHUS, SUSCEPTIBILITY TO, 4. Identifiers: Orphanet 2134, MedGen C2752038, MONDO:0013042, OMIM 612924.

Allele frequency attached by ClinVar (database versions not stated): ExAC 0.00001; gnomAD 0.00001; gnomAD exomes 0.00001.
gnomAD v4.1: 18 of 1,614,070 alleles (0.0011%); highest among the groups gnomAD compares: South Asian, 0.012%; no homozygotes.

Submissions (3):

Labcorp Genetics (formerly Invitae), Labcorp
Classification: Uncertain significance. Last evaluated: 2024-07-23. Review status: criteria provided, single submitter. Criteria: Invitae Variant Classification Sherloc (09022015). Collection method: clinical testing. Allele origin: germline.
Comment: This sequence change replaces valine, which is neutral and non-polar, with methionine, which is neutral and non-polar, at codon 675 of the CFB protein (p.Val675Met). The frequency data for this variant in the population databases is considered unreliable, as metrics indicate poor data quality at this position in the gnomAD database. This variant has not been reported in the literature in individuals affected with CFB-related conditions. ClinVar contains an entry for this variant (Variation ID: 2671634). Advanced modeling of protein sequence and biophysical properties (such as structural, functional, and spatial information, amino acid conservation, physicochemical variation, residue mobility, and thermodynamic stability) performed at Invitae indicates that this missense variant is not expected to disrupt CFB protein function with a negative predictive value of 80%. In summary, the available evidence is currently insufficient to determine the role of this variant in disease. Therefore, it has been classified as a Variant of Uncertain Significance.

Neuberg Centre For Genomic Medicine, NCGM
Classification: Uncertain significance for Atypical hemolytic-uremic syndrome with B factor anomaly. Last evaluated: 2023-02-14. Review status: criteria provided, single submitter. Criteria: ACMG Guidelines, 2015. Collection method: clinical testing. Allele origin: germline. Inheritance: Autosomal dominant inheritance. Affected: yes.
Comment: The missense c.2023G>A (p.Val675Met) variant in CFB gene has not been reported previously as a pathogenic variant nor as a benign variant, to our knowledge. The p.Val675Met variant is reported with an allele frequency of 0.002% in the gnomAD exomes database and is novel (not in any individuals) in 1000 Genomes database. This variant has not been reported to the ClinVar database. The amino acid change p.Val675Met in CFB is predicted as conserved by GERP++ and PhyloP across 100 vertebrates. The amino acid Val at position 675 is changed to a Met changing protein sequence and it might alter its composition and physico-chemical properties. For these reasons, this variant has been classified as a Variant of Uncertain Significance (VUS).

Blueprint Genetics
Classification: Uncertain significance. Last evaluated: 2021-09-20. Review status: criteria provided, single submitter. Criteria: ACMG Guidelines, 2015. Collection method: clinical testing. Allele origin: germline.

NM_001710.6(CFB):c.2023G>A (p.Val675Met)

Gene: CFB (complement factor B; plus strand). Cytogenetic location: 6p21.33.
Variant type: single nucleotide variant.
Coding change: c.2023G>A on transcript NM_001710.6 (MANE Select); coding-DNA position 2023, G replaced by A.
Protein change: p.Val675Met; replaces valine 675 with methionine.
Molecular consequence: missense variant.
Genome position (GRCh38, 1-based): chr6:31,951,407, G>A. VCF-style: chr6-31951407-G-A. GRCh37 (hg19) VCF-style: chr6-31919184-G-A.
Other names: short protein forms V675M.
Identifiers: ClinVar variation 2671634 (VCV002671634.4), dbSNP rs778556793, ClinGen allele CA3728530.